The following is an entry in ClinVar:

ClinVar aggregate classification (germline): Uncertain significance (1 of 4 stars; one submission).

Submission:

Ambry Genetics
Classification: Uncertain significance. Last evaluated: 2024-06-09. Review status: criteria provided, single submitter. Criteria: Ambry Variant Classification Scheme 2023. Collection method: clinical testing. Allele origin: germline.
Comment: The p.M264I variant (also known as c.792G>A), located in coding exon 6 of the POLQ gene, results from a G to A substitution at nucleotide position 792. The methionine at codon 264 is replaced by isoleucine, an amino acid with highly similar properties. This amino acid position is conserved. In addition, the in silico prediction for this alteration is inconclusive. Based on the available evidence, the clinical significance of this variant remains unclear.

NM_199420.4(POLQ):c.792G>A (p.Met264Ile)

Gene: POLQ (DNA polymerase theta; minus strand). Cytogenetic location: 3q13.33.
Variant type: single nucleotide variant.
Coding change: c.792G>A on transcript NM_199420.4 (MANE Select); coding-DNA position 792, G replaced by A.
Protein change: p.Met264Ile; replaces methionine 264 with isoleucine.
Molecular consequence: missense variant.
Genome position (GRCh38, 1-based): chr3:121,533,158, C>T on the plus strand (G>A on the coding strand, the complement: POLQ is on the minus strand). VCF-style: chr3-121533158-C-T. GRCh37 (hg19) VCF-style: chr3-121252005-C-T.
Other names: short protein forms M264I.
Identifiers: ClinVar variation 3308723 (VCV003308723.1).